The following is an entry in ClinVar:

NM_000051.4(ATM):c.5019C>T (p.Ser1673=)

Gene: ATM (ATM serine/threonine kinase; plus strand). Cytogenetic location: 11q22.3.
Variant type: single nucleotide variant.
Coding change: c.5019C>T on transcript NM_000051.4 (MANE Select); coding-DNA position 5019, C replaced by T.
Protein change: p.Ser1673=; no amino-acid change (serine 1673 retained).
Molecular consequence: synonymous variant.
Genome position (GRCh38, 1-based): chr11:108,299,727, C>T. VCF-style: chr11-108299727-C-T. GRCh37 (hg19) VCF-style: chr11-108170454-C-T.
Other names: c.5019C>T, p.Ser1673= (NM_001351834.2).
Identifiers: ClinVar variation 1567794 (VCV001567794.11), dbSNP rs1565473483, ClinGen allele CA476674656.

ClinVar aggregate classification (germline): Benign/Likely benign. Review status: criteria provided, multiple submitters, no conflicts (2 of 4 stars). 3 submissions from 3 submitters: Benign (1); Likely benign (2). Last evaluated 2024-05-22.

Conditions:
Familial cancer of breast. Also called: Hereditary breast cancer; BREAST CANCER, FAMILIAL; hereditary breast carcinoma. Identifiers: Orphanet 227535, MedGen C0346153, MONDO:0016419, OMIM 114480. Disease mechanism: loss of function.
Hereditary cancer-predisposing syndrome. Also called: Neoplastic Syndromes, Hereditary; Tumor predisposition; Hereditary Cancer Syndrome; Hereditary neoplastic syndrome. Identifiers: Orphanet 140162, MedGen C0027672, MeSH D009386, MONDO:0015356.
Ataxia-telangiectasia syndrome (AT). Also called: ATAXIA-TELANGIECTASIA, COMPLEMENTATION GROUP A; Ataxia telangiectasia (A-T); Ataxia-telangiectasia, complementation group E; Ataxia-telangiectasia; Cerebello-oculocutaneous telangiectasia; Immunodeficiency with ataxia telangiectasia. Identifiers: Orphanet 100, MedGen C0004135, MONDO:0008840, OMIM 208900.

Submissions (3):

Myriad Genetics, Inc.
Classification: Benign for Familial cancer of breast. Last evaluated: 2024-05-22. Review status: criteria provided, single submitter. Criteria: Myriad Autosomal Dominant, Autosomal Recessive and X-Linked Classification Criteria (2023). Collection method: clinical testing. Allele origin: unknown.
Comment: This variant is considered benign. This variant is a silent/synonymous amino acid change and it is not expected to impact splicing.

Labcorp Genetics (formerly Invitae), Labcorp
Classification: Likely benign for Ataxia-telangiectasia syndrome. Last evaluated: 2021-06-22. Review status: criteria provided, single submitter. Criteria: Invitae Variant Classification Sherloc (09022015). Collection method: clinical testing. Allele origin: germline.

Ambry Genetics
Classification: Likely benign for Hereditary cancer-predisposing syndrome. Last evaluated: 2021-01-20. Review status: criteria provided, single submitter. Criteria: Ambry Variant Classification Scheme 2023. Collection method: clinical testing. Allele origin: germline.